The following is an entry in ClinVar:

ClinVar aggregate classification (germline): Uncertain significance (1 of 4 stars; one submission).

Submission:

Mayo Clinic Laboratories, Mayo Clinic
Classification: Uncertain significance. Last evaluated: 2022-06-29. Review status: criteria provided, single submitter. Criteria: ACMG Guidelines, 2015. Collection method: clinical testing. Allele origin: germline. Observed: 1 variant allele.
Comment: PP3, PM2_supporting

NM_000071.3(CBS):c.599C>G (p.Pro200Arg)

Gene: CBS (cystathionine beta-synthase; minus strand). Cytogenetic location: 21q22.3.
Variant type: single nucleotide variant.
Coding change: c.599C>G on transcript NM_000071.3 (MANE Select); coding-DNA position 599, C replaced by G.
Protein change: p.Pro200Arg; replaces proline 200 with arginine.
Molecular consequence: missense variant.
Genome position (GRCh38, 1-based): chr21:43,065,454, G>C on the plus strand (C>G on the coding strand, the complement: CBS is on the minus strand). VCF-style: chr21-43065454-G-C. GRCh37 (hg19) VCF-style: chr21-44485564-G-C.
Other names: p.Pro200Arg; c.599C>G, p.Pro200Arg (NM_001178008.3, NM_001178009.3, NM_001320298.2); c.284C>G, p.Pro95Arg (NM_001321072.1); short protein forms P200R, P95R.
Identifiers: ClinVar variation 2683556 (VCV002683556.1), dbSNP rs758712880, ClinGen allele CA410600980.
Genomic context (GRCh38, chr21:43,065,454, plus strand): 5'-AGGATGTGAGAATTGGGGATTTCGTTCTTCAGCCGCCAGGCCACCCCCACGTGTGACTCC[G>C]GGGAGTCGAACCTGGCATTGGTGGGCGTCCTCACAATCTCAGCCCCCAGTGCCCGCAGCA-3'
Protein context (NP_000062.1, residues 190-210): RTPTNARFDS[Pro200Arg]ESHVGVAWRL